The following is an entry in ClinVar:

ClinVar aggregate classification (germline): Benign. Review status: criteria provided, multiple submitters, no conflicts (2 of 4 stars). 6 submissions from 4 submitters: Benign (6). Last evaluated 2021-07-10.

Conditions:
Lethal arthrogryposis-anterior horn cell disease syndrome (CAAHD). Also called: CONGENITAL ARTHROGRYPOSIS WITH ANTERIOR HORN CELL DISEASE. Identifiers: Orphanet 53696, MedGen C5193016, MONDO:0012750, OMIM 611890.
Lethal congenital contracture syndrome 1 (LCCS1). Also called: MULTIPLE CONTRACTURE SYNDROME, FINNISH TYPE. Identifiers: Orphanet 1486, MedGen C1854664, MONDO:0009670, OMIM 253310.

Allele frequency attached by ClinVar (database versions not stated): gnomAD 0.20436 and 0.21057; TOPMed 0.20958; gnomAD exomes 0.22169; 1000 Genomes Project 30x 0.26140; 1000 Genomes Project 0.26597.
gnomAD v4.1: 194,097 of 884,214 alleles (22%); highest among the groups gnomAD compares: East Asian, 39%; 22,851 homozygotes.

Submissions (6):

Genome-Nilou Lab
Classification: Benign for Lethal arthrogryposis-anterior horn cell disease syndrome. Last evaluated: 2021-07-10. Review status: criteria provided, single submitter. Criteria: ACMG Guidelines, 2015. Collection method: clinical testing. Allele origin: germline. Affected: no.

Genome-Nilou Lab
Classification: Benign for Lethal congenital contracture syndrome 1. Last evaluated: 2021-07-10. Review status: criteria provided, single submitter. Criteria: ACMG Guidelines, 2015. Collection method: clinical testing. Allele origin: germline. Affected: no.

GeneDx
Classification: Benign. Last evaluated: 2018-11-12. Review status: criteria provided, single submitter. Criteria: GeneDx Variant Classification Process June 2021. Collection method: clinical testing. Allele origin: germline. Affected: yes.

Illumina Laboratory Services, Illumina
Classification: Benign for Lethal congenital contracture syndrome 1. Last evaluated: 2018-01-13. Review status: criteria provided, single submitter. Criteria: ICSL Variant Classification Criteria 13 December 2019. Collection method: clinical testing. Allele origin: germline.
Comment: This variant was observed in the ICSL laboratory as part of a predisposition screen in an ostensibly healthy population. It had not been previously curated by ICSL or reported in the Human Gene Mutation Database (HGMD: prior to June 1st, 2018), and was therefore a candidate for classification through an automated scoring system. Utilizing variant allele frequency, disease prevalence and penetrance estimates, and inheritance mode, an automated score was calculated to assess if this variant is too frequent to cause the disease. Based on the score and internal cut-off values, a variant classified as benign is not then subjected to further curation. The score for this variant resulted in a classification of benign for this disease.

Illumina Laboratory Services, Illumina
Classification: Benign for Lethal arthrogryposis-anterior horn cell disease syndrome. Last evaluated: 2018-01-13. Review status: criteria provided, single submitter. Criteria: ICSL Variant Classification Criteria 13 December 2019. Collection method: clinical testing. Allele origin: germline.
Comment: the same text as in the submission from Illumina Laboratory Services, Illumina above.

Breakthrough Genomics
Classification: Benign. Review status: criteria provided, single submitter. Criteria: ACMG Guidelines, 2015. Collection method: not provided. Allele origin: germline. Inheritance: Autosomal recessive inheritance. Affected: yes.

NM_001003722.2(GLE1):c.*73G>A

Genes: GLE1 (GLE1 RNA export mediator; plus strand), LOC101929270 (uncharacterized LOC101929270; minus strand). Cytogenetic location: 9q34.11.
Variant type: single nucleotide variant.
Coding change: c.*73G>A on transcript NM_001003722.2 (MANE Select); 73 bases downstream of the stop codon, G replaced by A.
Molecular consequence: 3 prime UTR variant.
Genome position (GRCh38, 1-based): chr9:128,541,243, G>A. VCF-style: chr9-128541243-G-A. GRCh37 (hg19) VCF-style: chr9-131303522-G-A.
Identifiers: ClinVar variation 365136 (VCV000365136.11), dbSNP rs10760563, ClinGen allele CA10632738.